The following is an entry in ClinVar:

NM_003000.3(SDHB):c.97G>A (p.Ala33Thr)

Gene: SDHB (succinate dehydrogenase complex iron sulfur subunit B; minus strand). Cytogenetic location: 1p36.13.
Variant type: single nucleotide variant.
Coding change: c.97G>A on transcript NM_003000.3 (MANE Select); coding-DNA position 97, G replaced by A.
Protein change: p.Ala33Thr; replaces alanine 33 with threonine.
Molecular consequence: missense variant.
Genome position (GRCh38, 1-based): chr1:17,044,864, C>T on the plus strand (G>A on the coding strand, the complement: SDHB is on the minus strand). VCF-style: chr1-17044864-C-T. GRCh37 (hg19) VCF-style: chr1-17371359-C-T.
Other names: short protein forms A33T.
Identifiers: ClinVar variation 1016712 (VCV001016712.5), dbSNP rs777898500, ClinGen allele CA089777.
Genomic context (GRCh38, chr1:17,044,864, plus strand): 5'-CAGCCTTGTCTGGGTCCCATCGATAGATGGCAAATTTCTTGATACGGGGAGCTGTGGCTG[C>T]AGCTGTCTGGGCTCCTCGGGAGGCCTGAAATTTTTTAAAGTTCACAAAAAGGAAAAAAAA-3'
Protein context (NP_002991.2, residues 23-43): LQASRGAQTA[Ala33Thr]ATAPRIKKFA

ClinVar aggregate classification (germline): Conflicting classifications of pathogenicity. Review status: criteria provided, conflicting classifications (1 of 4 stars). 2 submissions from 2 submitters: Uncertain significance (1); Likely benign (1). Last evaluated 2023-01-04.

Conditions:
Hereditary cancer-predisposing syndrome. Also called: Neoplastic Syndromes, Hereditary; Hereditary Cancer Syndrome; Hereditary neoplastic syndrome; Tumor predisposition. Identifiers: Orphanet 140162, MedGen C0027672, MeSH D009386, MONDO:0015356.
Pheochromocytoma/paraganglioma syndrome 4. Also called: CAROTID BODY TUMORS AND MULTIPLE EXTRAADRENAL PHEOCHROMOCYTOMAS; SDHB-Related Hereditary Paraganglioma-Pheochromocytoma Syndrome; Paragangliomas 4; SDHB-Related Hereditary Paraganglioma-Pheochromocytoma Syndrome (Paragangliomas 4); PARAGANGLIOMA, FAMILIAL MALIGNANT; PARAGANGLIOMAS, HEREDITARY EXTRAADRENAL. Identifiers: Orphanet 29072, MedGen C1861848, MONDO:0007273, OMIM 115310.
Gastrointestinal stromal tumor. Also called: Gastrointestinal stromal tumor, somatic; Gastrointestinal stroma tumor. Identifiers: Orphanet 44890, MedGen C0238198, MeSH D046152, MONDO:0011719, OMIM 606764, HP:0100723.
Pheochromocytoma. Also called: MAX-Related Hereditary Paraganglioma-Pheochromocytoma Syndrome. Identifiers: Orphanet 29072, MedGen C0031511, MONDO:0008233, OMIM 171300, HP:0002666.

Allele frequency attached by ClinVar (database versions not stated): TOPMed below 0.00001; gnomAD exomes 0.00003 and 0.00005; ExAC 0.00004.

Submissions (2):

Ambry Genetics
Classification: Likely benign for Hereditary cancer-predisposing syndrome. Last evaluated: 2023-01-04. Review status: criteria provided, single submitter. Criteria: Ambry Variant Classification Scheme 2023. Collection method: clinical testing. Allele origin: germline.

Labcorp Genetics (formerly Invitae), Labcorp
Classification: Uncertain significance for Gastrointestinal stromal tumor; Pheochromocytoma/paraganglioma syndrome 4; Pheochromocytoma. Last evaluated: 2022-01-16. Review status: criteria provided, single submitter. Criteria: Invitae Variant Classification Sherloc (09022015). Collection method: clinical testing. Allele origin: germline.
Comment: This sequence change replaces alanine, which is neutral and non-polar, with threonine, which is neutral and polar, at codon 33 of the SDHB protein (p.Ala33Thr). This variant is present in population databases (rs777898500, gnomAD 0.04%). This variant has not been reported in the literature in individuals affected with SDHB-related conditions. ClinVar contains an entry for this variant (Variation ID: 1016712). Advanced modeling of protein sequence and biophysical properties (such as structural, functional, and spatial information, amino acid conservation, physicochemical variation, residue mobility, and thermodynamic stability) performed at Invitae indicates that this missense variant is not expected to disrupt SDHB protein function. In summary, the available evidence is currently insufficient to determine the role of this variant in disease. Therefore, it has been classified as a Variant of Uncertain Significance.